The following is an entry in ClinVar:

ClinVar aggregate classification (germline): Uncertain significance (1 of 4 stars; one submission).

Allele frequency attached by ClinVar (database versions not stated): gnomAD 0.00001; TOPMed 0.00003.
gnomAD v4.1: 1 of 1,291,970 alleles (0.000077%); highest among the groups gnomAD compares: African/African-American, 0.0015%; no homozygotes.

Submission:

Labcorp Genetics (formerly Invitae), Labcorp
Classification: Uncertain significance. Last evaluated: 2022-08-13. Review status: criteria provided, single submitter. Criteria: Invitae Variant Classification Sherloc (09022015). Collection method: clinical testing. Allele origin: germline.
Comment: This sequence change replaces leucine, which is neutral and non-polar, with serine, which is neutral and polar, at codon 971 of the ERCC6L2 protein (p.Leu971Ser). This variant is present in population databases (no rsID available, gnomAD 0.01%). This variant has not been reported in the literature in individuals affected with ERCC6L2-related conditions. Algorithms developed to predict the effect of missense changes on protein structure and function are either unavailable or do not agree on the potential impact of this missense change (SIFT: "Tolerated"; PolyPhen-2: "Not Available"; Align-GVGD: "Class C0"). In summary, the available evidence is currently insufficient to determine the role of this variant in disease. Therefore, it has been classified as a Variant of Uncertain Significance.

NM_020207.7(ERCC6L2):c.2879T>C (p.Leu960Ser)

Gene: ERCC6L2 (ERCC excision repair 6 like 2; plus strand). Cytogenetic location: 9q22.32.
Variant type: single nucleotide variant.
Coding change: c.2879T>C on transcript NM_020207.7 (MANE Select); coding-DNA position 2879, T replaced by C.
Protein change: p.Leu960Ser; replaces leucine 960 with serine.
Molecular consequence: missense variant. On other transcripts: non-coding transcript variant (1).
Genome position (GRCh38, 1-based): chr9:95,972,630, T>C. VCF-style: chr9-95972630-T-C. GRCh37 (hg19) VCF-style: chr9-98734912-T-C.
Other names: c.2879T>C, p.Leu960Ser (NM_001375291.1, NM_001375292.1, NM_001375293.1 and 1 more transcripts); short protein forms L960S.
Identifiers: ClinVar variation 1716389 (VCV001716389.5), dbSNP rs1320527526, ClinGen allele CA589285423.